The following is an entry in ClinVar:

ClinVar aggregate classification (germline): Uncertain significance (1 of 4 stars; one submission).

gnomAD v4.1: 1 of 1,613,912 alleles (0.000062%); highest among the groups gnomAD compares: Non-Finnish European, 0.000085%; no homozygotes.

Submission:

Labcorp Genetics (formerly Invitae), Labcorp
Classification: Uncertain significance. Last evaluated: 2024-11-28. Review status: criteria provided, single submitter. Criteria: Invitae Variant Classification Sherloc (09022015). Collection method: clinical testing. Allele origin: germline.
Comment: This sequence change replaces lysine, which is basic and polar, with glutamic acid, which is acidic and polar, at codon 799 of the ABCC8 protein (p.Lys799Glu). This variant is not present in population databases (gnomAD no frequency). This variant has not been reported in the literature in individuals affected with ABCC8-related conditions. Invitae Evidence Modeling of protein sequence and biophysical properties (such as structural, functional, and spatial information, amino acid conservation, physicochemical variation, residue mobility, and thermodynamic stability) has been performed for this missense variant. However, the output from this modeling did not meet the statistical confidence thresholds required to predict the impact of this variant on ABCC8 protein function. In summary, the available evidence is currently insufficient to determine the role of this variant in disease. Therefore, it has been classified as a Variant of Uncertain Significance.

NM_000352.6(ABCC8):c.2395A>G (p.Lys799Glu)

Genes: ABCC8 (ATP binding cassette subfamily C member 8; minus strand), LOC110121471 (VISTA enhancer hs1977; plus strand). Cytogenetic location: 11p15.1.
Variant type: single nucleotide variant.
Coding change: c.2395A>G on transcript NM_000352.6 (MANE Select); coding-DNA position 2395, A replaced by G.
Protein change: p.Lys799Glu; replaces lysine 799 with glutamic acid.
Molecular consequence: missense variant. On other transcripts: non-coding transcript variant (1).
Genome position (GRCh38, 1-based): chr11:17,413,474, T>C on the plus strand (A>G on the coding strand, the complement: ABCC8 is on the minus strand). VCF-style: chr11-17413474-T-C. GRCh37 (hg19) VCF-style: chr11-17435021-T-C.
Other names: c.2398A>G, p.Lys800Glu (NM_001287174.3); c.2461A>G, p.Lys821Glu (NM_001351295.2); c.2395A>G, p.Lys799Glu (NM_001351296.2); c.2392A>G, p.Lys798Glu (NM_001351297.2); short protein forms K800E, K798E, K799E, K821E.
Identifiers: ClinVar variation 3681011 (VCV003681011.2).